The following is an entry in ClinVar:

ClinVar aggregate classification (germline): Conflicting classifications of pathogenicity. Review status: criteria provided, conflicting classifications (1 of 4 stars). 3 submissions from 3 submitters: Uncertain significance (1); Likely benign (2). Last evaluated 2025-10-07.

Conditions:
Inborn genetic diseases. Identifiers: MedGen C0950123, MeSH D030342.
Intellectual disability. Also called: Intellectual developmental disorder; Intellectual functioning disability; intellectual disabilities. Identifiers: MedGen C3714756, MeSH D008607, MONDO:0001071, HP:0001249.

Allele frequency attached by ClinVar (database versions not stated): TOPMed 0.00006; ExAC 0.00004; ESP Exome Variant Server 0.00008; 1000 Genomes Project 0.00020; gnomAD exomes 0.00003; gnomAD 0.00005; 1000 Genomes Project 30x 0.00016.
gnomAD v4.1: 44 of 1,613,032 alleles (0.0027%); highest among the groups gnomAD compares: African/African-American, 0.023%; no homozygotes.

Submissions (3):

Ambry Genetics
Classification: Likely benign for Inborn genetic diseases. Last evaluated: 2025-10-07. Review status: criteria provided, single submitter. Criteria: Ambry Variant Classification Scheme 2023. Collection method: clinical testing. Allele origin: germline.

Diagnostic Laboratory, Strasbourg University Hospital
Classification: Uncertain significance for Intellectual disability. Last evaluated: 2020-09-10. Review status: criteria provided, single submitter. Criteria: ACMG Guidelines, 2015. Collection method: clinical testing. Allele origin: unknown. Affected: yes. Observed: 1 heterozygote.

GeneDx
Classification: Likely benign. Last evaluated: 2017-11-08. Review status: criteria provided, single submitter. Criteria: GeneDx Variant Classification (06012015). Collection method: clinical testing. Allele origin: germline. Affected: yes.
Comment: This variant is considered likely benign or benign based on one or more of the following criteria: it is a conservative change, it occurs at a poorly conserved position in the protein, it is predicted to be benign by multiple in silico algorithms, and/or has population frequency not consistent with disease.

NM_001378414.1(HDAC4):c.871G>A (p.Ala291Thr)

Gene: HDAC4 (histone deacetylase 4; minus strand). Cytogenetic location: 2q37.3.
Variant type: single nucleotide variant.
Coding change: c.871G>A on transcript NM_001378414.1 (MANE Select); coding-DNA position 871, G replaced by A.
Protein change: p.Ala291Thr; replaces alanine 291 with threonine.
Molecular consequence: missense variant.
Genome position (GRCh38, 1-based): chr2:239,139,791, C>T on the plus strand (G>A on the coding strand, the complement: HDAC4 is on the minus strand). VCF-style: chr2-239139791-C-T. GRCh37 (hg19) VCF-style: chr2-240061487-C-T.
Other names: c.871G>A, p.Ala291Thr (NM_001378415.1, NM_001378416.1, NM_001378417.1 and 1 more transcripts); short protein forms A291T.
Identifiers: ClinVar variation 516109 (VCV000516109.3), dbSNP rs374729768, ClinGen allele CA2200021.
Genomic context (GRCh38, chr2:239,139,791, plus strand): 5'-TGACGCTCCCGGAGCTGTTGTTGGGTGAGCTGGGTCCGGAGCCTGGGGCGCTGCTGCACG[C>T]GGAGTCTGCGGAGGCAGAAATACCCTGGTGAGTGTTACTCCATGCGGAGGGAGGGCCGTG-3'
Protein context (NP_001365343.1, residues 281-301): KKRPLDVTDS[Ala291Thr]CSSAPGSGPS